The following is an entry in ClinVar:

NM_015338.6(ASXL1):c.2632A>G (p.Ser878Gly)

Gene: ASXL1 (ASXL transcriptional regulator 1; plus strand). Cytogenetic location: 20q11.21.
Variant type: single nucleotide variant.
Coding change: c.2632A>G on transcript NM_015338.6 (MANE Select); coding-DNA position 2632, A replaced by G.
Protein change: p.Ser878Gly; replaces serine 878 with glycine.
Molecular consequence: missense variant.
Genome position (GRCh38, 1-based): chr20:32,435,344, A>G. VCF-style: chr20-32435344-A-G. GRCh37 (hg19) VCF-style: chr20-31023147-A-G.
Other names: c.2449A>G, p.Ser817Gly (NM_001363734.1); short protein forms S878G, S817G.
Identifiers: ClinVar variation 3438256 (VCV003438256.1).

ClinVar aggregate classification (germline): Uncertain significance (1 of 4 stars; one submission).

Conditions:
Inborn genetic diseases. Identifiers: MedGen C0950123, MeSH D030342.

gnomAD v4.1: 1 of 1,614,220 alleles (0.000062%); highest among the groups gnomAD compares: Non-Finnish European, 0.000085%; no homozygotes.

Submission:

Ambry Genetics
Classification: Uncertain significance for Inborn genetic diseases. Last evaluated: 2024-11-18. Review status: criteria provided, single submitter. Criteria: Ambry Variant Classification Scheme 2023. Collection method: clinical testing. Allele origin: germline.
Comment: The p.S878G variant (also known as c.2632A>G), located in coding exon 13 of the ASXL1 gene, results from an A to G substitution at nucleotide position 2632. The serine at codon 878 is replaced by glycine, an amino acid with similar properties. This amino acid position is conserved. In addition, this alteration is predicted to be tolerated by in silico analysis. Based on the available evidence, the clinical significance of this variant remains unclear.